The following is an entry in ClinVar:

ClinVar aggregate classification (germline): Likely benign. Review status: criteria provided, multiple submitters, no conflicts (2 of 4 stars). 3 submissions from 3 submitters: Likely benign (3). Last evaluated 2025-09-30.

Conditions:
Cardiovascular phenotype. Identifiers: MedGen CN230736.
Cardiomyopathy (CMYO). Also called: Cardiomyopathies. Identifiers: Orphanet 167848, MedGen C0878544, MONDO:0004994, HP:0001638. Inheritance: Various modes of inheritance.
Catecholaminergic polymorphic ventricular tachycardia (CVPT). Also called: Catecholamine-induced polymorphic ventricular tachycardia. Identifiers: Orphanet 3286, MedGen C5574922, MONDO:0017990.

Allele frequency attached by ClinVar (database versions not stated): gnomAD exomes 0.00001.
gnomAD v4.1: 6 of 1,479,888 alleles (0.00041%); highest among the groups gnomAD compares: South Asian, 0.0066%; no homozygotes.

Submissions (3):

Ambry Genetics
Classification: Likely benign for Cardiovascular phenotype. Last evaluated: 2025-09-30. Review status: criteria provided, single submitter. Criteria: Ambry Variant Classification Scheme 2023. Collection method: clinical testing. Allele origin: germline.

All of Us Research Program, National Institutes of Health
Classification: Likely benign for Catecholaminergic polymorphic ventricular tachycardia. Last evaluated: 2024-09-23. Review status: criteria provided, single submitter. Criteria: ACMG Guidelines, 2015. Collection method: clinical testing. Allele origin: germline. Inheritance: Autosomal dominant inheritance. Observed: 1 variant allele, 1 heterozygote.
Comment: This study involves interpretation of variants in research participants for the purpose of population health screening. Participant phenotype was not available at the time of variant classification. Additional details can be found in publication PMID: 35346344, PMCID: PMC8962531

Color Diagnostics, LLC DBA Color Health
Classification: Likely benign for Cardiomyopathy. Last evaluated: 2018-10-17. Review status: criteria provided, single submitter. Criteria: ACMG Guidelines, 2015. Collection method: clinical testing. Allele origin: germline.

NM_001035.3(RYR2):c.8130T>C (p.Asn2710=)

Gene: RYR2 (ryanodine receptor 2; plus strand). Cytogenetic location: 1q43.
Variant type: single nucleotide variant.
Coding change: c.8130T>C on transcript NM_001035.3 (MANE Select); coding-DNA position 8130, T replaced by C.
Protein change: p.Asn2710=; no amino-acid change (asparagine 2710 retained).
Molecular consequence: synonymous variant.
Genome position (GRCh38, 1-based): chr1:237,657,944, T>C. VCF-style: chr1-237657944-T-C. GRCh37 (hg19) VCF-style: chr1-237821244-T-C.
Other names: c.8130T>C, p.Asn2710= (LRG_402t1).
Identifiers: ClinVar variation 629660 (VCV000629660.4), dbSNP rs876661388, ClinGen allele CA423820714.